The following is an entry in ClinVar:

ClinVar aggregate classification (germline): Likely benign (1 of 4 stars; one submission).

Allele frequency attached by ClinVar (database versions not stated): TOPMed below 0.00001.

Submission:

GeneDx
Classification: Likely benign. Last evaluated: 2017-10-24. Review status: criteria provided, single submitter. Criteria: GeneDx Variant Classification (06012015). Collection method: clinical testing. Allele origin: germline. Affected: yes.
Comment: This variant is considered likely benign or benign based on one or more of the following criteria: it is a conservative change, it occurs at a poorly conserved position in the protein, it is predicted to be benign by multiple in silico algorithms, and/or has population frequency not consistent with disease.

NM_006231.3(POLE):c.-30C>T

Genes: POLE (DNA polymerase epsilon, catalytic subunit; minus strand), LOC130009266 (ATAC-STARR-seq lymphoblastoid silent region 5123; plus strand). Cytogenetic location: 12q24.33.
Variant type: single nucleotide variant.
Coding change: c.-30C>T on transcript NM_006231.3; 30 bases upstream of the start codon, C replaced by T.
Genome position (GRCh38, 1-based): chr12:132,687,345, G>A on the plus strand (C>T on the coding strand, the complement: POLE is on the minus strand). VCF-style: chr12-132687345-G-A. GRCh37 (hg19) VCF-style: chr12-133263931-G-A.
Identifiers: ClinVar variation 512962 (VCV000512962.3), dbSNP rs763189979, ClinGen allele CA658798007.
Genomic context (GRCh38, chr12:132,687,345, plus strand): 5'-CGCGCCGCCGCCCGCCGCTCCTCAGAGACATGGAGCCGTTGGCTACCACCTCTGCTTCAG[G>A]GGAGAAATTTGGCGCGCTCCCACCCAGACTCGCGAGAGCCGGAAATGCCGCCGTCCATCA-3'